The following is an entry in ClinVar:

NM_000038.6(APC):c.1313-8T>C

Gene: APC (APC regulator of Wnt signaling pathway; plus strand). Cytogenetic location: 5q22.2.
Variant type: single nucleotide variant.
Coding change: c.1313-8T>C on transcript NM_000038.6 (MANE Select); 8 bases into the intron before coding-DNA position 1313, T replaced by C.
Molecular consequence: intron variant.
Genome position (GRCh38, 1-based): chr5:112,821,888, T>C. VCF-style: chr5-112821888-T-C. GRCh37 (hg19) VCF-style: chr5-112157585-T-C.
Other names: c.464-8T>C (NM_001407470.1, NM_001354906.2); c.161-8T>C (NM_001407472.1, NM_001407471.1); c.1313-8T>C (NM_001407447.1, NM_001354895.2, NM_001407448.1 and 4 more transcripts); c.1010-8T>C (NM_001407456.1, NM_001407460.1, NM_001407457.1 and 5 more transcripts); c.1229-8T>C (NM_001407452.1, NM_001354899.2); c.926-8T>C (NM_001407469.1, NM_001407467.1); c.1343-8T>C (NM_001407446.1, NM_001354897.2); c.1040-8T>C (NM_001354902.2); and 5 more.
Identifiers: ClinVar variation 3148246 (VCV003148246.1), dbSNP rs1060504892, ClinGen allele CA2578379826.
Genomic context (GRCh38, chr5:112,821,888, plus strand): 5'-AAGTACAATAAACATCATTGCTCTTCAAATAACAAAGCATTATGGTTTATGTTGATTTTA[T>C]TTTTCAGTGCCAGCTCCTGTTGAACATCAGATCTGTCCTGCTGTGTGTGTTCTAATGAAA-3'

ClinVar aggregate classification (germline): Likely benign (1 of 4 stars; one submission).

Conditions:
Familial adenomatous polyposis 1 (FAP1). Also called: POLYPOSIS, ADENOMATOUS INTESTINAL; FAMILIAL ADENOMATOUS POLYPOSIS 1, ATTENUATED. Identifiers: MedGen C2713442, MONDO:0021056, OMIM 175100. Disease mechanism: loss of function.

Submission:

Myriad Genetics, Inc.
Classification: Likely benign for Familial adenomatous polyposis 1. Last evaluated: 2024-03-01. Review status: criteria provided, single submitter. Criteria: Myriad Autosomal Dominant, Autosomal Recessive and X-Linked Classification Criteria (2023). Collection method: clinical testing. Allele origin: unknown.
Comment: This variant is considered likely benign. This variant is intronic and is not expected to impact mRNA splicing.